The following is an entry in ClinVar:

NM_001367868.2(PLIN4):c.1575G>A (p.Lys525=)

Gene: PLIN4 (perilipin 4; minus strand). Cytogenetic location: 19p13.3.
Variant type: single nucleotide variant.
Coding change: c.1575G>A on transcript NM_001367868.2 (MANE Select); coding-DNA position 1575, G replaced by A.
Protein change: p.Lys525=; no amino-acid change (lysine 525 retained).
Molecular consequence: synonymous variant.
Genome position (GRCh38, 1-based): chr19:4,512,385, C>T on the plus strand (G>A on the coding strand, the complement: PLIN4 is on the minus strand). VCF-style: chr19-4512385-C-T. GRCh37 (hg19) VCF-style: chr19-4512397-C-T.
Other names: c.1575G>A, p.Lys525= (NM_001393890.1, NM_001393891.1); c.1578G>A, p.Lys526= (NM_001393888.1, NM_001393889.1).
Identifiers: ClinVar variation 3905213 (VCV003905213.10).

ClinVar aggregate classification (germline): Likely benign (1 of 4 stars; one submission).

Submission:

CeGaT Center for Human Genetics Tuebingen
Classification: Likely benign. Last evaluated: 2025-05-01. Review status: criteria provided, single submitter. Criteria: CeGaT Center For Human Genetics Tuebingen Variant Classification Criteria Version 2. Collection method: clinical testing. Allele origin: germline. Affected: yes. Observed: 1 variant allele.
Comment: PLIN4: BP4, BP7